The following is an entry in ClinVar:

ClinVar aggregate classification (germline): Pathogenic (1 of 4 stars; one submission).

gnomAD v4.1: 2 of 1,613,872 alleles (0.00012%); highest among the groups gnomAD compares: African/African-American, 0.0013%; no homozygotes.

Submission:

Labcorp Genetics (formerly Invitae), Labcorp
Classification: Pathogenic. Last evaluated: 2022-09-07. Review status: criteria provided, single submitter. Criteria: Invitae Variant Classification Sherloc (09022015). Collection method: clinical testing. Allele origin: germline.
Comment: This variant is present in population databases (no rsID available, gnomAD 0.003%). This sequence change creates a premature translational stop signal (p.Trp440*) in the CNGA3 gene. While this is not anticipated to result in nonsense mediated decay, it is expected to disrupt the last 255 amino acid(s) of the CNGA3 protein. This premature translational stop signal has been observed in individuals with achromatopsia (PMID: 11536077, 24903488). It has also been observed to segregate with disease in related individuals. ClinVar contains an entry for this variant (Variation ID: 1453201). Algorithms developed to predict the effect of sequence changes on RNA splicing suggest that this variant may create or strengthen a splice site. For these reasons, this variant has been classified as Pathogenic.

Literature cited by the submitters: PubMed 11536077; PubMed 24903488.

NM_001298.3(CNGA3):c.1319G>A (p.Trp440Ter)

Gene: CNGA3 (cyclic nucleotide gated channel subunit alpha 3; plus strand). Cytogenetic location: 2q11.2.
Variant type: single nucleotide variant.
Coding change: c.1319G>A on transcript NM_001298.3 (MANE Select); coding-DNA position 1319, G replaced by A.
Protein change: p.Trp440Ter; replaces tryptophan 440 with a stop codon.
Molecular consequence: nonsense.
Genome position (GRCh38, 1-based): chr2:98,396,489, G>A. VCF-style: chr2-98396489-G-A. GRCh37 (hg19) VCF-style: chr2-99012952-G-A.
Other names: c.1265G>A, p.Trp422Ter (NM_001079878.2); short protein forms W440*, W422*.
Identifiers: ClinVar variation 1453201 (VCV001453201.8), dbSNP rs1459484455, ClinGen allele CA347833295.